The following is an entry in ClinVar:

NM_004006.3(DMD):c.7309+1G>C

Gene: DMD (dystrophin; minus strand). Cytogenetic location: Xp21.1.
Variant type: single nucleotide variant.
Coding change: c.7309+1G>C on transcript NM_004006.3 (MANE Select); the canonical splice donor site of the intron after coding-DNA position 7309, G replaced by C.
Molecular consequence: splice donor variant.
Genome position (GRCh38, 1-based): chrX:31,819,974, C>G on the plus strand (G>C on the coding strand, the complement: DMD is on the minus strand). VCF-style: chrX-31819974-C-G. GRCh37 (hg19) VCF-style: chrX-31838091-C-G.
Other names: c.7285+1G>C (NM_000109.4); c.3286+1G>C (NM_004011.4); c.3277+1G>C (NM_004012.4); c.-72+1G>C (NM_004023.3, NM_004020.4, NM_004022.3 and 2 more transcripts); c.7297+1G>C (NM_004009.3); c.6940+1G>C (NM_004010.3).
Identifiers: ClinVar variation 803837 (VCV000803837.2), dbSNP rs398124044, ClinGen allele CA412658447.

ClinVar aggregate classification (germline): Pathogenic/Likely pathogenic. Review status: criteria provided, multiple submitters, no conflicts (2 of 4 stars). 2 submissions from 2 submitters: Pathogenic (1); Likely pathogenic (1). Last evaluated 2024-11-27.

Conditions:
Duchenne muscular dystrophy (DMD). Also called: Duchenne Muscular Dystrophy (DMD); MUSCULAR DYSTROPHY, PSEUDOHYPERTROPHIC PROGRESSIVE, DUCHENNE TYPE. Identifiers: Orphanet 98896, MedGen C0013264, MONDO:0010679, OMIM 310200.

Submissions (2):

3billion
Classification: Pathogenic for Duchenne muscular dystrophy. Last evaluated: 2024-11-27. Review status: criteria provided, single submitter. Criteria: ACMG Guidelines, 2015. Collection method: clinical testing. Allele origin: germline. Affected: yes.
Comment: The variant is not observed in the gnomAD v4.1.0 dataset. Predicted Consequence/Location: Canonical splice site: predicted to alter splicing and result in a loss or disruption of normal protein function. Multiple pathogenic loss-of-function variants are reported downstream of the variant. In silico tools predict the variant to alter splicing and produce an abnormal transcript [SpliceAI: 1.00 (spliceogenicity >=0.2, non-spliceogenicity <0.1)]. The variant has been reported to be associated with DMD related disorder (ClinVar ID: VCV000803837). Therefore, this variant is classified as Pathogenic according to the recommendation of ACMG/AMP guideline.

Mendelics
Classification: Likely pathogenic for Duchenne muscular dystrophy. Last evaluated: 2019-05-28. Review status: criteria provided, single submitter. Criteria: Mendelics Assertion Criteria 2017. Collection method: clinical testing. Allele origin: unknown.